The following is an entry in ClinVar:

NM_012479.4(YWHAG):c.560A>T (p.Gln187Leu)

Gene: YWHAG (tyrosine 3-monooxygenase/tryptophan 5-monooxygenase activation protein gamma; minus strand). Cytogenetic location: 7q11.23.
Variant type: single nucleotide variant.
Coding change: c.560A>T on transcript NM_012479.4 (MANE Select); coding-DNA position 560, A replaced by T.
Protein change: p.Gln187Leu; replaces glutamine 187 with leucine.
Molecular consequence: missense variant.
Genome position (GRCh38, 1-based): chr7:76,329,761, T>A on the plus strand (A>T on the coding strand, the complement: YWHAG is on the minus strand). VCF-style: chr7-76329761-T-A. GRCh37 (hg19) VCF-style: chr7-75959078-T-A.
Other names: short protein forms Q187L.
Identifiers: ClinVar variation 2766210 (VCV002766210.3), dbSNP rs532533392, ClinGen allele CA367776635.
Genomic context (GRCh38, chr7:76,329,761, plus strand): 5'-TCGGCGATGGCGTCGTCGAACGCGGTCTTGGCCAAGTGGCACGCTTGCTCTGGGGCGTTC[T>A]GGATCTCATAGTAGAAGACGGAGTAGTTAAGAGCCAGGCCTAATCGGATGGGGTGGGTGG-3'
Protein context (NP_036611.2, residues 177-197): LNYSVFYYEI[Gln187Leu]NAPEQACHLA

ClinVar aggregate classification (germline): Uncertain significance (1 of 4 stars; one submission).

Submission:

Labcorp Genetics (formerly Invitae), Labcorp
Classification: Uncertain significance. Last evaluated: 2025-10-06. Review status: criteria provided, single submitter. Criteria: Invitae Variant Classification Sherloc (09022015). Collection method: clinical testing. Allele origin: germline.
Comment: This sequence change replaces glutamine, which is neutral and polar, with leucine, which is neutral and non-polar, at codon 187 of the YWHAG protein (p.Gln187Leu). This variant is not present in population databases (gnomAD no frequency). This variant has not been reported in the literature in individuals affected with YWHAG-related conditions. ClinVar contains an entry for this variant (Variation ID: 2766210). Invitae Evidence Modeling of protein sequence and biophysical properties (such as structural, functional, and spatial information, amino acid conservation, physicochemical variation, residue mobility, and thermodynamic stability) indicates that this missense variant is not expected to disrupt YWHAG protein function with a negative predictive value of 80%. In summary, the available evidence is currently insufficient to determine the role of this variant in disease. Therefore, it has been classified as a Variant of Uncertain Significance.